The following is an entry in ClinVar:

NM_020911.2(PLXNA4):c.3303C>T (p.Leu1101=)

Gene: PLXNA4 (plexin A4; minus strand). Cytogenetic location: 7q32.3.
Variant type: single nucleotide variant.
Coding change: c.3303C>T on transcript NM_020911.2 (MANE Select); coding-DNA position 3303, C replaced by T.
Protein change: p.Leu1101=; no amino-acid change (leucine 1101 retained).
Molecular consequence: synonymous variant.
Genome position (GRCh38, 1-based): chr7:132,181,570, G>A on the plus strand (C>T on the coding strand, the complement: PLXNA4 is on the minus strand). VCF-style: chr7-132181570-G-A. GRCh37 (hg19) VCF-style: chr7-131866329-G-A.
Other names: c.3303C>T, p.Leu1101= (NM_001393897.1).
Identifiers: ClinVar variation 3053915 (VCV003053915.2), dbSNP rs78666313, ClinGen allele CA4489524.

ClinVar aggregate classification (germline): Likely benign (0 of 4 stars; one submission).

Conditions:
PLXNA4-related disorder. Also called: PLXNA4-related condition.

Allele frequency attached by ClinVar (database versions not stated): TOPMed 0.00009; gnomAD 0.00013; gnomAD exomes 0.00042; ExAC 0.00048; 1000 Genomes Project 30x 0.00109; 1000 Genomes Project 0.00140.
gnomAD v4.1: 614 of 1,614,196 alleles (0.038%); highest among the groups gnomAD compares: East Asian, 1.2%; 7 homozygotes.

Submission:

PreventionGenetics, part of Exact Sciences
Classification: Likely benign for PLXNA4-related condition. Last evaluated: 2023-12-27. Review status: no assertion criteria provided. Collection method: clinical testing. Allele origin: germline.
Comment: This variant is classified as likely benign based on ACMG/AMP sequence variant interpretation guidelines (Richards et al. 2015 PMID: 25741868, with internal and published modifications).